The following is an entry in ClinVar:

NM_001139.3(ALOX12B):c.1265C>T (p.Pro422Leu)

Gene: ALOX12B (arachidonate 12-lipoxygenase, 12R type; minus strand). Cytogenetic location: 17p13.1.
Variant type: single nucleotide variant.
Coding change: c.1265C>T on transcript NM_001139.3 (MANE Select); coding-DNA position 1265, C replaced by T.
Protein change: p.Pro422Leu; replaces proline 422 with leucine.
Molecular consequence: missense variant.
Genome position (GRCh38, 1-based): chr17:8,077,000, G>A on the plus strand (C>T on the coding strand, the complement: ALOX12B is on the minus strand). VCF-style: chr17-8077000-G-A. GRCh37 (hg19) VCF-style: chr17-7980318-G-A.
Other names: short protein forms P422L.
Identifiers: ClinVar variation 995739 (VCV000995739.7), dbSNP rs774333332, ClinGen allele CA8367365.
Genomic context (GRCh38, chr17:8,077,000, plus strand): 5'-CAGGTGAGGGCCATGATGCCTGGGGGAGGCCCCTTCTCCCAAGCCCATACCTTGTAGAGG[G>A]GGTGGCACATGGGCAGGTTCCTCAGCAAGGCCAGGCAGAAGGCCTCAGCAATGAGGTGTG-3'
Protein context (NP_001130.1, residues 412-432): ALLRNLPMCH[Pro422Leu]LYKLLIPHTR

ClinVar aggregate classification (germline): Pathogenic/Likely pathogenic. Review status: criteria provided, multiple submitters, no conflicts (2 of 4 stars). 4 submissions from 4 submitters: Pathogenic (2); Likely pathogenic (1). 1 of the submissions does not count toward it. Last evaluated 2024-05-24.

Conditions:
ALOX12B-related disorder. Also called: ALOX12B-related condition.
Autosomal recessive congenital ichthyosis 2 (ARCI2). Identifiers: Orphanet 281122, Orphanet 79394, MedGen C3888093, MONDO:0009439, OMIM 242100.

Allele frequency attached by ClinVar (database versions not stated): ExAC 0.00003; gnomAD 0.00003 and 0.00004; gnomAD exomes 0.00003 and 0.00008; TOPMed 0.00003.
gnomAD v4.1: 114 of 1,613,452 alleles (0.0071%); highest among the groups gnomAD compares: Non-Finnish European, 0.0094%; no homozygotes.

Submissions (4):

Fulgent Genetics
Classification: Likely pathogenic for Autosomal recessive congenital ichthyosis 2. Last evaluated: 2024-05-24. Review status: criteria provided, single submitter. Criteria: ACMG Guidelines, 2015. Collection method: clinical testing. Allele origin: germline.

Labcorp Genetics (formerly Invitae), Labcorp
Classification: Pathogenic. Last evaluated: 2023-09-08. Review status: criteria provided, single submitter. Criteria: Invitae Variant Classification Sherloc (09022015). Collection method: clinical testing. Allele origin: germline.
Comment: This variant is present in population databases (rs774333332, gnomAD 0.008%). This missense change has been observed in individual(s) with congenital ichthyosis (PMID: 31168818, 33435499). ClinVar contains an entry for this variant (Variation ID: 995739). Advanced modeling of protein sequence and biophysical properties (such as structural, functional, and spatial information, amino acid conservation, physicochemical variation, residue mobility, and thermodynamic stability) performed at Invitae indicates that this missense variant is expected to disrupt ALOX12B protein function. For these reasons, this variant has been classified as Pathogenic. This sequence change replaces proline, which is neutral and non-polar, with leucine, which is neutral and non-polar, at codon 422 of the ALOX12B protein (p.Pro422Leu).

Blueprint Genetics
Classification: Pathogenic for ALOX12B-related disorders. Last evaluated: 2020-12-09. Review status: criteria provided, single submitter. Criteria: ACMG Guidelines, 2015. Collection method: clinical testing. Allele origin: germline. Affected: yes. Observed: 1 variant allele.

Institute for Human Genetics, University Medical Center Freiburg
Classification: Pathogenic for Autosomal recessive congenital ichthyosis 2. Last evaluated: 2021-01-07. Review status: no assertion criteria provided. Collection method: clinical testing. Allele origin: unknown. Affected: yes. Not counted in ClinVar's aggregate classification.

Literature cited by the submitters: PubMed 31168818 (cited by Labcorp Genetics (formerly Invitae), Labcorp); PubMed 33435499 (cited by Labcorp Genetics (formerly Invitae), Labcorp); PubMed 22622417 (cited by Institute for Human Genetics, University Medical Center Freiburg).